The following is an entry in ClinVar:

ClinVar aggregate classification (germline): Uncertain significance (1 of 4 stars; one submission).

Conditions:
Hereditary cancer-predisposing syndrome. Also called: Neoplastic Syndromes, Hereditary; Tumor predisposition; Hereditary Cancer Syndrome; Hereditary neoplastic syndrome. Identifiers: Orphanet 140162, MedGen C0027672, MeSH D009386, MONDO:0015356.

Submission:

Ambry Genetics
Classification: Uncertain significance for Hereditary cancer-predisposing syndrome. Last evaluated: 2025-10-02. Review status: criteria provided, single submitter. Criteria: Ambry Variant Classification Scheme 2023. Collection method: clinical testing. Allele origin: germline.
Comment: The p.I628F variant (also known as c.1882A>T), located in coding exon 10 of the ALK gene, results from an A to T substitution at nucleotide position 1882. The isoleucine at codon 628 is replaced by phenylalanine, an amino acid with highly similar properties. This amino acid position is conserved. In addition, this alteration is predicted to be tolerated by in silico analysis. Based on the available evidence, the clinical significance of this variant remains unclear.

NM_004304.5(ALK):c.1882A>T (p.Ile628Phe)

Gene: ALK (ALK receptor tyrosine kinase; minus strand). Cytogenetic location: 2p23.2.
Variant type: single nucleotide variant.
Coding change: c.1882A>T on transcript NM_004304.5 (MANE Select); coding-DNA position 1882, A replaced by T.
Protein change: p.Ile628Phe; replaces isoleucine 628 with phenylalanine.
Molecular consequence: missense variant.
Genome position (GRCh38, 1-based): chr2:29,275,432, T>A on the plus strand (A>T on the coding strand, the complement: ALK is on the minus strand). VCF-style: chr2-29275432-T-A. GRCh37 (hg19) VCF-style: chr2-29498298-T-A.
Other names: short protein forms I628F.
Identifiers: ClinVar variation 4673553 (VCV004673553.1).